The following is an entry in ClinVar:

NM_000303.3(PMM2):c.33C>G (p.Phe11Leu)

Gene: PMM2 (phosphomannomutase 2; plus strand). Cytogenetic location: 16p13.2.
Variant type: single nucleotide variant.
Coding change: c.33C>G on transcript NM_000303.3 (MANE Select); coding-DNA position 33, C replaced by G.
Protein change: p.Phe11Leu; replaces phenylalanine 11 with leucine.
Molecular consequence: missense variant.
Genome position (GRCh38, 1-based): chr16:8,797,915, C>G. VCF-style: chr16-8797915-C-G. GRCh37 (hg19) VCF-style: chr16-8891772-C-G.
Other names: short protein forms F11L.
Identifiers: ClinVar variation 4847651 (VCV004847651.1).

ClinVar aggregate classification (germline): Uncertain significance (1 of 4 stars; one submission).

Submission:

Women's Health and Genetics/Laboratory Corporation of America, LabCorp
Classification: Uncertain significance. Last evaluated: 2026-03-27. Review status: criteria provided, single submitter. Criteria: LabCorp Variant Classification Summary - May 2015. Collection method: clinical testing. Allele origin: germline.
Comment: Variant summary: PMM2 c.33C>G (p.Phe11Leu) results in a non-conservative amino acid change in the encoded protein sequence. Algorithms developed to predict the effect of missense changes on protein structure and function are either unavailable or do not agree on the potential impact of this missense change. The variant was absent in 239538 control chromosomes. The available data on variant occurrences in the general population are insufficient to allow any conclusion about variant significance. To our knowledge, no occurrence of c.33C>G in individuals affected with PMM2-related conditions and no experimental evidence demonstrating its impact on protein function have been reported. No submitters have cited clinical-significance assessments for this variant to ClinVar. Based on the evidence outlined above, the variant was classified as uncertain significance.